The following is an entry in ClinVar:

ClinVar aggregate classification (germline): Uncertain significance. Review status: criteria provided, multiple submitters, no conflicts (2 of 4 stars). 2 submissions from 2 submitters: Uncertain significance (2). Last evaluated 2023-07-07.

Conditions:
Severe combined immunodeficiency due to DNA-PKcs deficiency. Also called: IMMUNODEFICIENCY 26 WITH NEUROLOGIC ABNORMALITIES; Immunodeficiency 26 with or without neurologic abnormalities. Identifiers: Orphanet 317425, MedGen C4014833, MONDO:0014423, OMIM 615966.

Allele frequency attached by ClinVar (database versions not stated): TOPMed below 0.00001; ExAC 0.00001; gnomAD 0.00001; gnomAD exomes 0.00001.
gnomAD v4.1: 10 of 1,606,654 alleles (0.00062%); highest among the groups gnomAD compares: Middle Eastern, 0.016%; no homozygotes.

Submissions (2):

Labcorp Genetics (formerly Invitae), Labcorp
Classification: Uncertain significance for Severe combined immunodeficiency due to DNA-PKcs deficiency. Last evaluated: 2023-07-07. Review status: criteria provided, single submitter. Criteria: Invitae Variant Classification Sherloc (09022015). Collection method: clinical testing. Allele origin: germline.
Comment: In summary, the available evidence is currently insufficient to determine the role of this variant in disease. Therefore, it has been classified as a Variant of Uncertain Significance. Advanced modeling of protein sequence and biophysical properties (such as structural, functional, and spatial information, amino acid conservation, physicochemical variation, residue mobility, and thermodynamic stability) performed at Invitae indicates that this missense variant is not expected to disrupt PRKDC protein function. ClinVar contains an entry for this variant (Variation ID: 2156855). This variant has not been reported in the literature in individuals affected with PRKDC-related conditions. This variant is present in population databases (rs765283259, gnomAD 0.005%). This sequence change replaces lysine, which is basic and polar, with arginine, which is basic and polar, at codon 668 of the PRKDC protein (p.Lys668Arg).

Ambry Genetics
Classification: Uncertain significance. Last evaluated: 2022-09-26. Review status: criteria provided, single submitter. Criteria: Ambry Variant Classification Scheme 2023. Collection method: clinical testing. Allele origin: germline.

NM_006904.7(PRKDC):c.2003A>G (p.Lys668Arg)

Gene: PRKDC (protein kinase, DNA-activated, catalytic subunit; minus strand). Cytogenetic location: 8q11.21.
Variant type: single nucleotide variant.
Coding change: c.2003A>G on transcript NM_006904.7 (MANE Select); coding-DNA position 2003, A replaced by G.
Protein change: p.Lys668Arg; replaces lysine 668 with arginine.
Molecular consequence: missense variant.
Genome position (GRCh38, 1-based): chr8:47,929,902, T>C on the plus strand (A>G on the coding strand, the complement: PRKDC is on the minus strand). VCF-style: chr8-47929902-T-C. GRCh37 (hg19) VCF-style: chr8-48842462-T-C.
Other names: c.2003A>G, p.Lys668Arg (NM_001081640.2); short protein forms K668R.
Identifiers: ClinVar variation 2156855 (VCV002156855.3), dbSNP rs765283259, ClinGen allele CA4741577.
Genomic context (GRCh38, chr8:47,929,902, plus strand): 5'-GAAAGACTCACCTCGAAATATTTTATTTTCTTGGCATTTCTTACTGTAATAGAAAGCAAT[T>C]TGTAGAAACCACTGATGAGGGGCAACCTTGTAGATTGCAAAATTAATTCATATGAAAATG-3'
Protein context (NP_008835.5, residues 658-678): TRLPLISGFY[Lys668Arg]LLSITVRNAK